The following is an entry in ClinVar:

NM_000548.5(TSC2):c.2729C>A (p.Pro910His)

Gene: TSC2 (TSC complex subunit 2; plus strand). Cytogenetic location: 16p13.3.
Variant type: single nucleotide variant.
Coding change: c.2729C>A on transcript NM_000548.5 (MANE Select); coding-DNA position 2729, C replaced by A.
Protein change: p.Pro910His; replaces proline 910 with histidine.
Molecular consequence: missense variant. On other transcripts: non-coding transcript variant (5).
Genome position (GRCh38, 1-based): chr16:2,076,157, C>A. VCF-style: chr16-2076157-C-A. GRCh37 (hg19) VCF-style: chr16-2126158-C-A.
Other names: c.2729C>A, p.Pro910His (NM_001370405.1, NM_001406663.1, NM_001406664.1 and 6 more transcripts); c.2819C>A, p.Pro940His (NM_001406667.1, NM_001406668.1); c.2618C>A, p.Pro873His (NM_001406670.1, NM_001318827.2, NM_001406678.1); c.1385C>A, p.Pro462His (NM_001406690.1, NM_001406691.1, NM_001406692.1 and 6 more transcripts); c.2129C>A, p.Pro710His (NM_001406686.1, NM_001406687.1, NM_001406688.1 and 6 more transcripts); c.2717C>A, p.Pro906His (NM_001406671.1, NM_001406673.1); c.2582C>A, p.Pro861His (NM_001406675.1, NM_001318829.2, NM_001406676.1 and 1 more transcripts); c.2762C>A, p.Pro921His (NM_001318832.2); and 3 more; short protein forms P910H, P376H, P710H, P861H, P891H, P921H, P906H, P462H.
Identifiers: ClinVar variation 3637207 (VCV003637207.2).

ClinVar aggregate classification (germline): Uncertain significance (1 of 4 stars; one submission).

Conditions:
Tuberous sclerosis 2 (TSC2). Identifiers: Orphanet 805, MedGen C1860707, MONDO:0013199, OMIM 613254.

Submission:

Labcorp Genetics (formerly Invitae), Labcorp
Classification: Uncertain significance for Tuberous sclerosis 2. Last evaluated: 2024-05-29. Review status: criteria provided, single submitter. Criteria: Invitae Variant Classification Sherloc (09022015). Collection method: clinical testing. Allele origin: germline.
Comment: This sequence change replaces proline, which is neutral and non-polar, with histidine, which is basic and polar, at codon 910 of the TSC2 protein (p.Pro910His). This variant is not present in population databases (gnomAD no frequency). This variant has not been reported in the literature in individuals affected with TSC2-related conditions. Advanced modeling of protein sequence and biophysical properties (such as structural, functional, and spatial information, amino acid conservation, physicochemical variation, residue mobility, and thermodynamic stability) performed at Invitae indicates that this missense variant is not expected to disrupt TSC2 protein function with a negative predictive value of 95%. In summary, the available evidence is currently insufficient to determine the role of this variant in disease. Therefore, it has been classified as a Variant of Uncertain Significance.